The following is an entry in ClinVar:

ClinVar aggregate classification (germline): Pathogenic (1 of 4 stars; one submission).

Submission:

Labcorp Genetics (formerly Invitae), Labcorp
Classification: Pathogenic. Last evaluated: 2026-01-24. Review status: criteria provided, single submitter. Criteria: Invitae Variant Classification Sherloc (09022015). Collection method: clinical testing. Allele origin: germline.
Comment: This sequence change creates a premature translational stop signal (p.Asp188Glufs*32) in the COL4A4 gene. It is expected to result in an absent or disrupted protein product. Loss-of-function variants in COL4A4 are known to be pathogenic (PMID: 21196518, 24854265, 25307543). This variant is not present in population databases (gnomAD no frequency). This variant has not been reported in the literature in individuals affected with COL4A4-related conditions. For these reasons, this variant has been classified as Pathogenic.

Literature cited by the submitters: PubMed 21196518; PubMed 24854265; PubMed 25307543.

NM_000092.5(COL4A4):c.562_563dup (p.Asp188fs)

Gene: COL4A4 (collagen type IV alpha 4 chain; minus strand). Cytogenetic location: 2q36.3.
Variant type: Microsatellite.
Coding change: c.562_563dup on transcript NM_000092.5 (MANE Select); coding-DNA positions 562 to 563, 2 bases duplicated (GA; older notation c.562_563dupGA).
Protein change: p.Asp188fs; shifts the reading frame from aspartic acid 188.
Molecular consequence: frameshift variant.
Genome position (GRCh38, 1-based): chr2:227,111,709-227,111,710, TC duplicated on the plus strand (GA on the coding strand, the reverse complement: COL4A4 is on the minus strand); duplicating any 2 consecutive bases within chr2:227,111,709-227,111,712 gives the same sequence; the c. name uses the placement nearest the transcript's 3' end. VCF-style (leftmost placement, unchanged base first): chr2-227111708-G-GTC. GRCh37 (hg19) VCF-style: chr2-227976424-G-GTC.
Other names: short protein forms D188fs.
Identifiers: ClinVar variation 4735797 (VCV004735797.1).